The following is an entry in ClinVar:

NM_001204.7(BMPR2):c.1097del (p.Pro366fs)

Gene: BMPR2 (bone morphogenetic protein receptor type 2; plus strand). Cytogenetic location: 2q33.2.
Variant type: Deletion.
Coding change: c.1097del on transcript NM_001204.7 (MANE Select); coding-DNA position 1097, one base deleted (C; older notation c.1097delC).
Protein change: p.Pro366fs; shifts the reading frame from proline 366.
Molecular consequence: frameshift variant.
Genome position (GRCh38, 1-based): chr2:202,530,923, C deleted; the last of 3 consecutive C bases (chr2:202,530,921-202,530,923); deleting any one gives the same sequence. VCF-style (leftmost placement, unchanged base first): chr2-202530920-GC-G. GRCh37 (hg19) VCF-style: chr2-203395643-GC-G.
Other names: c.1097del, p.P366Qfs*9 (LRG_712t1); short protein forms P366fs.
Identifiers: ClinVar variation 425871 (VCV000425871.10), dbSNP rs1085307296, ClinGen allele CA645293976.

ClinVar aggregate classification (germline): Pathogenic. Review status: criteria provided, multiple submitters, no conflicts (2 of 4 stars). 3 submissions from 3 submitters: Pathogenic (2). 1 of the submissions does not count toward it. Last evaluated 2020-03-09.

Conditions:
Primary pulmonary hypertension. Also called: Idiopathic pulmonary hypertension. Identifiers: MedGen C0152171.
Pulmonary hypertension, primary, 1 (PPH1). Also called: Pulmonary hypertension, familial primary, 1, with or without HHT. Identifiers: Orphanet 422, MedGen C4552070, MONDO:0024533, OMIM 178600.

Submissions (3):

Labcorp Genetics (formerly Invitae), Labcorp
Classification: Pathogenic for Primary pulmonary hypertension. Last evaluated: 2020-03-09. Review status: criteria provided, single submitter. Criteria: Invitae Variant Classification Sherloc (09022015). Collection method: clinical testing. Allele origin: germline.
Comment: This sequence change creates a premature translational stop signal (p.Pro366Glnfs*9) in the BMPR2 gene. It is expected to result in an absent or disrupted protein product. For these reasons, this variant has been classified as Pathogenic. Loss-of-function variants in BMPR2 are known to be pathogenic (PMID: 16429395). This variant has been observed in individual(s) with pulmonary arterial hypertension (PMID: 19555857). This variant is also known as c.1095delC, p.R365fsX8 in the literature. ClinVar contains an entry for this variant (Variation ID: 425871). This variant is not present in population databases (ExAC no frequency).

GeneDx
Classification: Pathogenic. Last evaluated: 2015-09-01. Review status: criteria provided, single submitter. Criteria: GeneDx Variant Classification (06012015). Collection method: clinical testing. Allele origin: germline. Affected: yes.
Comment: Although the c.1097delC deletion in the BMPR2 gene has not been reported to our knowledge, this variant causes a shift in reading frame starting at codon Proline 366, changing it to a Glutamine, and creating a premature stop codon at position 9 of the new reading frame, denoted p.Pro366GlnfsX9. This deletion is expected to result in either an abnormal, truncated protein product or loss of protein from this allele through nonsense-mediated mRNA decay. Other frameshift variants in the BMPR2 gene have been reported in HGMD in association with PAH (Stenson et al., 2014). Furthermore, the c.1097delC deletion was not observed in approximately 6500 individuals of European and African American ancestry in the NHLBI Exome Sequencing Project, indicating it is not a common benign variant in these populations.In summary, c.1097delC in the BMPR2 gene is interpreted as a pathogenic variant.

Rare Disease Genomics Group, St George's University of London
Classification: Pathogenic for Primary pulmonary hypertension. Review status: no assertion criteria provided. Collection method: literature only. Allele origin: germline. Affected: yes. Not counted in ClinVar's aggregate classification.

Literature cited by the submitters: PubMed 16429395 (cited by Labcorp Genetics (formerly Invitae), Labcorp); PubMed 19555857 (cited by Labcorp Genetics (formerly Invitae), Labcorp and Rare Disease Genomics Group, St George's University of London).